The following is an entry in ClinVar:

ClinVar aggregate classification (germline): Uncertain significance (1 of 4 stars; one submission).

Allele frequency attached by ClinVar (database versions not stated): TOPMed 0.00003; gnomAD 0.00004; ExAC 0.00008; ESP Exome Variant Server 0.00015.
gnomAD v4.1: 87 of 1,608,510 alleles (0.0054%); highest among the groups gnomAD compares: East Asian, 0.013%; no homozygotes.

Submission:

Labcorp Genetics (formerly Invitae), Labcorp
Classification: Uncertain significance. Last evaluated: 2022-09-06. Review status: criteria provided, single submitter. Criteria: Invitae Variant Classification Sherloc (09022015). Collection method: clinical testing. Allele origin: germline.
Comment: This sequence change replaces alanine, which is neutral and non-polar, with valine, which is neutral and non-polar, at codon 142 of the ADAMTSL4 protein (p.Ala142Val). This variant is present in population databases (rs144397807, gnomAD 0.05%). This variant has not been reported in the literature in individuals affected with ADAMTSL4-related conditions. Algorithms developed to predict the effect of missense changes on protein structure and function (SIFT, PolyPhen-2, Align-GVGD) all suggest that this variant is likely to be tolerated. In summary, the available evidence is currently insufficient to determine the role of this variant in disease. Therefore, it has been classified as a Variant of Uncertain Significance.

NM_019032.6(ADAMTSL4):c.425C>T (p.Ala142Val)

Genes: ADAMTSL4 (ADAMTS like 4; plus strand), ADAMTSL4-AS2 (ADAMTSL4 antisense RNA 2; minus strand). Cytogenetic location: 1q21.2.
Variant type: single nucleotide variant.
Coding change: c.425C>T on transcript NM_019032.6 (MANE Select); coding-DNA position 425, C replaced by T.
Protein change: p.Ala142Val; replaces alanine 142 with valine.
Molecular consequence: missense variant.
Genome position (GRCh38, 1-based): chr1:150,553,244, C>T. VCF-style: chr1-150553244-C-T. GRCh37 (hg19) VCF-style: chr1-150525720-C-T.
Other names: c.425C>T, p.Ala142Val (NM_001288607.2, NM_001288608.2, NM_001378596.1 and 1 more transcripts); short protein forms A142V.
Identifiers: ClinVar variation 2168065 (VCV002168065.1), dbSNP rs144397807, ClinGen allele CA1077943.